The following is an entry in ClinVar:

ClinVar aggregate classification (germline): Pathogenic (1 of 4 stars; one submission).

Allele frequency attached by ClinVar (database versions not stated): gnomAD exomes below 0.00001; ExAC 0.00001; gnomAD 0.00001; TOPMed 0.00001.
gnomAD v4.1: 5 of 1,614,112 alleles (0.00031%); highest among the groups gnomAD compares: African/African-American, 0.0013%; no homozygotes.

Submission:

Labcorp Genetics (formerly Invitae), Labcorp
Classification: Pathogenic. Last evaluated: 2022-08-20. Review status: criteria provided, single submitter. Criteria: Invitae Variant Classification Sherloc (09022015). Collection method: clinical testing. Allele origin: germline.
Comment: Algorithms developed to predict the effect of sequence changes on RNA splicing suggest that this variant may create or strengthen a splice site. For these reasons, this variant has been classified as Pathogenic. This variant disrupts a region of the CYP4F22 protein in which other variant(s) (p.Trp521*) have been determined to be pathogenic (PMID: 18034255). This suggests that this is a clinically significant region of the protein, and that variants that disrupt it are likely to be disease-causing. ClinVar contains an entry for this variant (Variation ID: 1392931). This premature translational stop signal has been observed in individual(s) with congenital icthyosis (Invitae). This variant is present in population databases (rs774983507, gnomAD 0.004%). This sequence change creates a premature translational stop signal (p.Tyr465*) in the CYP4F22 gene. While this is not anticipated to result in nonsense mediated decay, it is expected to disrupt the last 67 amino acid(s) of the CYP4F22 protein.

Literature cited by the submitters: PubMed 18034255.

NM_173483.4(CYP4F22):c.1395T>A (p.Tyr465Ter)

Gene: CYP4F22 (cytochrome P450 family 4 subfamily F member 22; plus strand). Cytogenetic location: 19p13.12.
Variant type: single nucleotide variant.
Coding change: c.1395T>A on transcript NM_173483.4 (MANE Select); coding-DNA position 1395, T replaced by A.
Protein change: p.Tyr465Ter; replaces tyrosine 465 with a stop codon.
Molecular consequence: nonsense.
Genome position (GRCh38, 1-based): chr19:15,550,733, T>A. VCF-style: chr19-15550733-T-A. GRCh37 (hg19) VCF-style: chr19-15661544-T-A.
Other names: short protein forms Y465*.
Identifiers: ClinVar variation 1392931 (VCV001392931.6), dbSNP rs774983507, ClinGen allele CA9269946.